The following is an entry in ClinVar:

ClinVar aggregate classification (germline): Uncertain significance (1 of 4 stars; one submission).

Allele frequency attached by ClinVar (database versions not stated): gnomAD exomes 0.00001; ExAC 0.00008; ESP Exome Variant Server 0.00008; TOPMed 0.00008; gnomAD 0.00010; 1000 Genomes Project 0.00040; 1000 Genomes Project 30x 0.00047.
gnomAD v4.1: 32 of 1,612,216 alleles (0.002%); highest among the groups gnomAD compares: African/African-American, 0.019%; no homozygotes.

Submission:

Labcorp Genetics (formerly Invitae), Labcorp
Classification: Uncertain significance. Last evaluated: 2022-12-28. Review status: criteria provided, single submitter. Criteria: Invitae Variant Classification Sherloc (09022015). Collection method: clinical testing. Allele origin: germline.
Comment: In summary, the available evidence is currently insufficient to determine the role of this variant in disease. Therefore, it has been classified as a Variant of Uncertain Significance. Advanced modeling of protein sequence and biophysical properties (such as structural, functional, and spatial information, amino acid conservation, physicochemical variation, residue mobility, and thermodynamic stability) performed at Invitae indicates that this missense variant is expected to disrupt SLC13A3 protein function. This missense change has been observed in individual(s) with clinical features of SLC13A3-related conditions (PMID: 34966709). This variant is present in population databases (rs200598488, gnomAD 0.02%). This sequence change replaces threonine, which is neutral and polar, with methionine, which is neutral and non-polar, at codon 62 of the SLC13A3 protein (p.Thr62Met).

Literature cited by the submitters: PubMed 34966709.

NM_022829.6(SLC13A3):c.185C>T (p.Thr62Met)

Gene: SLC13A3 (solute carrier family 13 member 3; minus strand). Cytogenetic location: 20q13.12.
Variant type: single nucleotide variant.
Coding change: c.185C>T on transcript NM_022829.6 (MANE Select); coding-DNA position 185, C replaced by T.
Protein change: p.Thr62Met; replaces threonine 62 with methionine.
Molecular consequence: missense variant. On other transcripts: intron variant (1).
Genome position (GRCh38, 1-based): chr20:46,613,652, G>A on the plus strand (C>T on the coding strand, the complement: SLC13A3 is on the minus strand). VCF-style: chr20-46613652-G-A. GRCh37 (hg19) VCF-style: chr20-45242291-G-A.
Other names: c.44C>T, p.Thr15Met (NM_001011554.3, NM_001193340.2); c.185C>T, p.Thr62Met (NM_001193339.2); c.-10-100C>T (NM_001193342.2); short protein forms T15M, T62M.
Identifiers: ClinVar variation 3022290 (VCV003022290.2), dbSNP rs200598488, ClinGen allele CA9891695.
Genomic context (GRCh38, chr20:46,613,652, plus strand): 5'-CAGACCTTGTTGGAGGGCAAGATGCCCATGAAGGGGAAGAGGACGATGGGCAGCAGCGCC[G>A]TCACTGAGAGCGGCAGGGCCTCCGTGCACCAGTACACCGCCATGAGCAGGATGACAAACA-3'
Protein context (NP_073740.2, residues 52-72): WCTEALPLSV[Thr62Met]ALLPIVLFPF